The following is an entry in ClinVar:

ClinVar aggregate classification (germline): Uncertain significance (1 of 4 stars; one submission).

Conditions:
Autosomal recessive limb-girdle muscular dystrophy type 2Y (MRRSDC). Also called: Muscular dystrophy, autosomal recessive, with rigid spine and distal joint contractures; Muscular dystrophy, limb-girdle, type 2y. Identifiers: Orphanet 424261, MedGen C4511482, MONDO:0014900, OMIM 617072.

Allele frequency attached by ClinVar (database versions not stated): gnomAD exomes below 0.00001; TOPMed below 0.00001.
gnomAD v4.1: 5 of 1,614,132 alleles (0.00031%); highest among the groups gnomAD compares: Non-Finnish European, 0.00042%; no homozygotes.

Submission:

Labcorp Genetics (formerly Invitae), Labcorp
Classification: Uncertain significance for Autosomal recessive limb-girdle muscular dystrophy type 2Y. Last evaluated: 2022-02-22. Review status: criteria provided, single submitter. Criteria: Invitae Variant Classification Sherloc (09022015). Collection method: clinical testing. Allele origin: germline.
Comment: This sequence change replaces serine, which is neutral and polar, with threonine, which is neutral and polar, at codon 352 of the TOR1AIP1 protein (p.Ser352Thr). In summary, the available evidence is currently insufficient to determine the role of this variant in disease. Therefore, it has been classified as a Variant of Uncertain Significance. Algorithms developed to predict the effect of missense changes on protein structure and function (SIFT, PolyPhen-2, Align-GVGD) all suggest that this variant is likely to be tolerated. This variant has not been reported in the literature in individuals affected with TOR1AIP1-related conditions. This variant is not present in population databases (gnomAD no frequency).

NM_015602.4(TOR1AIP1):c.1052G>C (p.Ser351Thr)

Gene: TOR1AIP1 (torsin 1A interacting protein 1; plus strand). Cytogenetic location: 1q25.2.
Variant type: single nucleotide variant.
Coding change: c.1052G>C on transcript NM_015602.4 (MANE Select); coding-DNA position 1052, G replaced by C.
Protein change: p.Ser351Thr; replaces serine 351 with threonine.
Molecular consequence: missense variant.
Genome position (GRCh38, 1-based): chr1:179,917,539, G>C. VCF-style: chr1-179917539-G-C. GRCh37 (hg19) VCF-style: chr1-179886674-G-C.
Other names: c.1055G>C, p.Ser352Thr (NM_001267578.2); short protein forms S351T, S352T.
Identifiers: ClinVar variation 2415627 (VCV002415627.8), dbSNP rs1649057993, ClinGen allele CA343573094.
Genomic context (GRCh38, chr1:179,917,539, plus strand): 5'-CTTTTGTCAAGAGGAACCGGTGGTGGCTACTTCCTCTGATAGCTGCTCTTGCCTCTGGGA[G>C]TTTTTGGTTCTTTAGTACTCCTGAGGTAGAAACCACTGCTGTTCAAGAGTTCCAGAACCA-3'
Protein context (NP_056417.2, residues 341-361): LPLIAALASG[Ser351Thr]FWFFSTPEVE